The following is an entry in ClinVar:

NM_031885.5(BBS2):c.1800G>A (p.Val600=)

Gene: BBS2 (Bardet-Biedl syndrome 2; minus strand). Cytogenetic location: 16q13.
Variant type: single nucleotide variant.
Coding change: c.1800G>A on transcript NM_031885.5 (MANE Select); coding-DNA position 1800, G replaced by A.
Protein change: p.Val600=; no amino-acid change (valine 600 retained).
Molecular consequence: synonymous variant. On other transcripts: non-coding transcript variant (5).
Genome position (GRCh38, 1-based): chr16:56,497,077, C>T on the plus strand (G>A on the coding strand, the complement: BBS2 is on the minus strand). VCF-style: chr16-56497077-C-T. GRCh37 (hg19) VCF-style: chr16-56530989-C-T.
Other names: c.1800G>A, p.Val600= (NM_001377456.1).
Identifiers: ClinVar variation 4979331 (VCV004979331.1).
Genomic context (GRCh38, chr16:56,497,077, plus strand): 5'-CAAATTAGAATGATCAGCCATATCAGCACTGAGCTTCTGATGCACTGAATGATATTCATC[C>T]ACCTGGAGACCATGAACACTCAGGAATGAAAAAGGCCTCACAAACTTCTTGAACCCAGAC-3'
Protein context (NP_114091.4, residues 590-610): FEELRKVLVK[Val600=]DEYHSVHQKL

ClinVar aggregate classification (germline): Uncertain significance (1 of 4 stars; one submission).

Conditions:
BBS2-related disorder. Also called: BBS2-related condition; BBS2-related disorders. Identifiers: MedGen CN239228.

Submission:

PreventionGenetics, part of Exact Sciences
Classification: Uncertain significance for BBS2-related condition. Last evaluated: 2025-04-11. Review status: criteria provided, single submitter. Criteria: ACMG Guidelines, 2015. Collection method: clinical testing. Allele origin: germline.
Comment: The BBS2 c.1800G>A variant is not predicted to result in an amino acid change (p.=). This variant is predicted to alter splicing based on available splicing prediction programs (SpliceAI, Jaganathan et al. 2019. PubMed ID: 30661751; Alamut Visual Plus v1.6.1). However, the use of computer prediction programs is not equivalent to functional evidence. To our knowledge, this variant has not been reported in the literature or in a large population database (gnomAD), indicating this variant is rare. At this time, the clinical significance of this variant is uncertain due to the absence of conclusive functional and genetic evidence.